The following is an entry in ClinVar:

NM_030653.4(DDX11):c.2209C>T (p.Gln737Ter)

Gene: DDX11 (DEAD/H-box helicase 11; plus strand). Cytogenetic location: 12p11.21.
Variant type: single nucleotide variant.
Coding change: c.2209C>T on transcript NM_030653.4 (MANE Select); coding-DNA position 2209, C replaced by T.
Protein change: p.Gln737Ter; replaces glutamine 737 with a stop codon.
Molecular consequence: nonsense. On other transcripts: non-coding transcript variant (4).
Genome position (GRCh38, 1-based): chr12:31,102,249, C>T. VCF-style: chr12-31102249-C-T. GRCh37 (hg19) VCF-style: chr12-31255183-C-T.
Other names: c.2209C>T, p.Gln737Ter (NM_001257144.2, NM_001413692.1, NM_001413693.1 and 4 more transcripts); c.2131C>T, p.Gln711Ter (NM_001257145.2, NM_001413697.1, NM_001413698.1 and 1 more transcripts); c.2122C>T, p.Gln708Ter (NM_001413700.1); c.1681C>T, p.Gln561Ter (NM_001413702.1, NM_001413703.1); c.1348C>T, p.Gln450Ter (NM_001413704.1, NM_001413705.1); c.1243C>T, p.Gln415Ter (NM_001413706.1); c.2059C>T, p.Gln687Ter (NM_004399.3); short protein forms Q415*, Q450*, Q561*, Q687*, Q708*, Q711*, Q737*.
Identifiers: ClinVar variation 3764734 (VCV003764734.2).
Genomic context (GRCh38, chr12:31,102,249, plus strand): 5'-TCGAGACCTGGCACCCTGAACCTGTCTCTGGGAAATGTCCTCTGTCTTTCTCAGATATTC[C>T]AGGAACCTAAGAGCGCACACCAGGTGGAGCAGGTGCTGCTGGCATATTCCAGGTGCATCC-3'

ClinVar aggregate classification (germline): Pathogenic (1 of 4 stars; one submission).

Conditions:
Warsaw breakage syndrome (WABS). Also called: DDX11-Related Cohesinopathy. Identifiers: Orphanet 280558, MedGen C3150658, MONDO:0013252, OMIM 613398.

Submission:

Juno Genomics, Hangzhou Juno Genomics, Inc
Classification: Pathogenic for Warsaw breakage syndrome. Review status: criteria provided, single submitter. Criteria: ACMG Guidelines, 2015. Collection method: clinical testing. Allele origin: germline. Affected: yes.
Comment: Absent from controls (or at extremely low frequency if recessive) in Genome Aggregation Database, Exome Sequencing Project, 1000 Genomes Project, or Exome Aggregation Consortium.;Null variant in a gene where loss of function (LOF) is a known mechanism of disease.;For recessive disorders, detected in trans with a pathogenic variant.